The following is an entry in ClinVar:

ClinVar aggregate classification (germline): Likely benign. Review status: criteria provided, single submitter (1 of 4 stars). 2 submissions from 2 submitters: Likely benign (1). 1 of the submissions does not count toward it. Last evaluated 2024-01-01.

Conditions:
PKD1-related disorder. Also called: PKD1-related condition.

Allele frequency attached by ClinVar (database versions not stated): TOPMed 0.00001; gnomAD 0.00002.
gnomAD v4.1: 28 of 1,600,450 alleles (0.0017%); highest among the groups gnomAD compares: Non-Finnish European, 0.0023%; no homozygotes.

Submissions (2):

CeGaT Center for Human Genetics Tuebingen
Classification: Likely benign. Last evaluated: 2024-01-01. Review status: criteria provided, single submitter. Criteria: CeGaT Center For Human Genetics Tuebingen Variant Classification Criteria Version 2. Collection method: clinical testing. Allele origin: germline. Affected: yes. Observed: 1 variant allele.
Comment: PKD1: BP4, BP7

PreventionGenetics, part of Exact Sciences
Classification: Likely benign for PKD1-related condition. Last evaluated: 2020-07-06. Review status: no assertion criteria provided. Collection method: clinical testing. Allele origin: germline. Not counted in ClinVar's aggregate classification.
Comment: This variant is classified as likely benign based on ACMG/AMP sequence variant interpretation guidelines (Richards et al. 2015 PMID: 25741868, with internal and published modifications).

NM_001009944.3(PKD1):c.11989C>T (p.Leu3997=)

Gene: PKD1 (polycystin 1, transient receptor potential channel interacting; minus strand). Cytogenetic location: 16p13.3.
Variant type: single nucleotide variant.
Coding change: c.11989C>T on transcript NM_001009944.3 (MANE Select); coding-DNA position 11989, C replaced by T.
Protein change: p.Leu3997=; no amino-acid change (leucine 3997 retained).
Molecular consequence: synonymous variant.
Genome position (GRCh38, 1-based): chr16:2,090,898, G>A on the plus strand (C>T on the coding strand, the complement: PKD1 is on the minus strand). VCF-style: chr16-2090898-G-A. GRCh37 (hg19) VCF-style: chr16-2140899-G-A.
Other names: c.11986C>T, p.Leu3996= (NM_000296.4).
Identifiers: ClinVar variation 3024723 (VCV003024723.23), dbSNP rs771227962, ClinGen allele CA7828913.